The following is an entry in ClinVar:

NM_000553.6(WRN):c.919A>T (p.Thr307Ser)

Gene: WRN (WRN RecQ like helicase; plus strand). Cytogenetic location: 8p12.
Variant type: single nucleotide variant.
Coding change: c.919A>T on transcript NM_000553.6 (MANE Select); coding-DNA position 919, A replaced by T.
Protein change: p.Thr307Ser; replaces threonine 307 with serine.
Molecular consequence: missense variant.
Genome position (GRCh38, 1-based): chr8:31,080,946, A>T. VCF-style: chr8-31080946-A-T. GRCh37 (hg19) VCF-style: chr8-30938462-A-T.
Other names: short protein forms T307S.
Identifiers: ClinVar variation 458504 (VCV000458504.12), dbSNP rs1002222882, ClinGen allele CA174858426.

ClinVar aggregate classification (germline): Uncertain significance. Review status: criteria provided, multiple submitters, no conflicts (2 of 4 stars). 2 submissions from 2 submitters: Uncertain significance (2). Last evaluated 2025-12-19.

Conditions:
Inborn genetic diseases. Identifiers: MedGen C0950123, MeSH D030342.
Werner syndrome (WRN). Identifiers: Orphanet 902, MedGen C0043119, MONDO:0010196, OMIM 277700.

Allele frequency attached by ClinVar (database versions not stated): gnomAD exomes below 0.00001; gnomAD 0.00001; TOPMed 0.00001.
gnomAD v4.1: 7 of 1,613,754 alleles (0.00043%); highest among the groups gnomAD compares: East Asian, 0.0045%; no homozygotes.

Submissions (2):

Labcorp Genetics (formerly Invitae), Labcorp
Classification: Uncertain significance for Werner syndrome. Last evaluated: 2025-12-19. Review status: criteria provided, single submitter. Criteria: Invitae Variant Classification Sherloc (09022015). Collection method: clinical testing. Allele origin: germline.
Comment: This sequence change replaces threonine, which is neutral and polar, with serine, which is neutral and polar, at codon 307 of the WRN protein (p.Thr307Ser). This variant is not present in population databases (gnomAD no frequency). This variant has not been reported in the literature in individuals affected with WRN-related conditions. ClinVar contains an entry for this variant (Variation ID: 458504). An algorithm developed to predict the effect of missense changes on protein structure and function outputs the following: PolyPhen-2: "Benign". The serine amino acid residue is found in multiple mammalian species, which suggests that this missense change does not adversely affect protein function. In summary, the available evidence is currently insufficient to determine the role of this variant in disease. Therefore, it has been classified as a Variant of Uncertain Significance.

Ambry Genetics
Classification: Uncertain significance for Inborn genetic diseases. Last evaluated: 2024-06-19. Review status: criteria provided, single submitter. Criteria: Ambry Variant Classification Scheme 2023. Collection method: clinical testing. Allele origin: germline.